The following is an entry in ClinVar:

NM_020376.4(PNPLA2):c.1251G>C (p.Glu417Asp)

Gene: PNPLA2 (patatin like domain 2, triacylglycerol lipase; plus strand). Cytogenetic location: 11p15.5.
Variant type: single nucleotide variant.
Coding change: c.1251G>C on transcript NM_020376.4 (MANE Select); coding-DNA position 1251, G replaced by C.
Protein change: p.Glu417Asp; replaces glutamic acid 417 with aspartic acid.
Molecular consequence: missense variant.
Genome position (GRCh38, 1-based): chr11:824,598, G>C. VCF-style: chr11-824598-G-C. GRCh37 (hg19) VCF-style: chr11-824598-G-C.
Other names: c.1251G>C (NM_020376.3); short protein forms E417D.
Identifiers: ClinVar variation 1391738 (VCV001391738.8), dbSNP rs1187663359, ClinGen allele CA378984592.

ClinVar aggregate classification (germline): Uncertain significance. Review status: criteria provided, multiple submitters, no conflicts (2 of 4 stars). 2 submissions from 2 submitters: Uncertain significance (2). Last evaluated 2022-07-11.

Conditions:
Neutral lipid storage myopathy (NLSDM). Also called: NEUTRAL LIPID STORAGE DISEASE WITHOUT ICHTHYOSIS. Identifiers: Orphanet 98908, MedGen C1853136, MONDO:0012545, OMIM 610717.

Allele frequency attached by ClinVar (database versions not stated): gnomAD exomes below 0.00001.

Submissions (2):

Labcorp Genetics (formerly Invitae), Labcorp
Classification: Uncertain significance for Neutral lipid storage myopathy. Last evaluated: 2022-07-11. Review status: criteria provided, single submitter. Criteria: Invitae Variant Classification Sherloc (09022015). Collection method: clinical testing. Allele origin: germline.
Comment: This variant has not been reported in the literature in individuals affected with PNPLA2-related conditions. This sequence change replaces glutamic acid, which is acidic and polar, with aspartic acid, which is acidic and polar, at codon 417 of the PNPLA2 protein (p.Glu417Asp). This variant is present in population databases (no rsID available, gnomAD 0.001%). ClinVar contains an entry for this variant (Variation ID: 1391738). Algorithms developed to predict the effect of missense changes on protein structure and function output the following: SIFT: "Tolerated"; PolyPhen-2: "Benign"; Align-GVGD: "Class C0". The aspartic acid amino acid residue is found in multiple mammalian species, which suggests that this missense change does not adversely affect protein function. In summary, the available evidence is currently insufficient to determine the role of this variant in disease. Therefore, it has been classified as a Variant of Uncertain Significance.

Revvity Omics, Revvity
Classification: Uncertain significance for Neutral lipid storage myopathy. Last evaluated: 2021-02-11. Review status: criteria provided, single submitter. Criteria: ACMG Guidelines, 2015. Collection method: clinical testing. Allele origin: germline.